The following is an entry in ClinVar:

ClinVar aggregate classification (germline): Conflicting classifications of pathogenicity. Review status: criteria provided, conflicting classifications (1 of 4 stars). 2 submissions from 2 submitters: Uncertain significance (1); Likely benign (1). Last evaluated 2025-06-24.

Conditions:
Hereditary cancer-predisposing syndrome. Also called: Tumor predisposition; Hereditary Cancer Syndrome; Neoplastic Syndromes, Hereditary; Hereditary neoplastic syndrome. Identifiers: Orphanet 140162, MedGen C0027672, MeSH D009386, MONDO:0015356.
Gorlin syndrome. Also called: Basal cell nevus syndrome; Nevoid Basal Cell Carcinoma Syndrome. Identifiers: Orphanet 377, MedGen C0004779, MONDO:0007187.

Allele frequency attached by ClinVar (database versions not stated): gnomAD exomes below 0.00001 and 0.00001; ExAC 0.00001.
gnomAD v4.1: 9 of 1,613,042 alleles (0.00056%); highest among the groups gnomAD compares: Admixed American, 0.0017%; no homozygotes.

Submissions (2):

Labcorp Genetics (formerly Invitae), Labcorp
Classification: Likely benign for Gorlin syndrome. Last evaluated: 2025-06-24. Review status: criteria provided, single submitter. Criteria: Invitae Variant Classification Sherloc (09022015). Collection method: clinical testing. Allele origin: germline.

Ambry Genetics
Classification: Uncertain significance for Hereditary cancer-predisposing syndrome. Last evaluated: 2024-08-19. Review status: criteria provided, single submitter. Criteria: Ambry Variant Classification Scheme 2023. Collection method: clinical testing. Allele origin: germline.
Comment: The p.S1326F variant (also known as c.3977C>T), located in coding exon 23 of the PTCH1 gene, results from a C to T substitution at nucleotide position 3977. The serine at codon 1326 is replaced by phenylalanine, an amino acid with highly dissimilar properties. This amino acid position is conserved. In addition, the in silico prediction for this alteration is inconclusive. Since supporting evidence is limited at this time, the clinical significance of this alteration remains unclear.

NM_000264.5(PTCH1):c.3977C>T (p.Ser1326Phe)

Gene: PTCH1 (patched 1; minus strand). Cytogenetic location: 9q22.32.
Variant type: single nucleotide variant.
Coding change: c.3977C>T on transcript NM_000264.5 (MANE Select); coding-DNA position 3977, C replaced by T.
Protein change: p.Ser1326Phe; replaces serine 1326 with phenylalanine.
Molecular consequence: missense variant. On other transcripts: non-coding transcript variant (1).
Genome position (GRCh38, 1-based): chr9:95,447,279, G>A on the plus strand (C>T on the coding strand, the complement: PTCH1 is on the minus strand). VCF-style: chr9-95447279-G-A. GRCh37 (hg19) VCF-style: chr9-98209561-G-A.
Other names: c.3779C>T, p.Ser1260Phe (NM_001083602.3); c.3974C>T, p.Ser1325Phe (NM_001083603.3); c.3524C>T, p.Ser1175Phe (NM_001083604.3, NM_001083605.3, NM_001083606.3 and 1 more transcripts); c.3821C>T, p.Ser1274Phe (NM_001354918.2); short protein forms S1326F, S1260F, S1175F, S1325F, S1274F.
Identifiers: ClinVar variation 453874 (VCV000453874.14), dbSNP rs764964224, ClinGen allele CA5137989.